The following is an entry in ClinVar:

NM_001127208.3(TET2):c.4513G>A (p.Ala1505Thr)

Genes: TET2 (tet methylcytosine dioxygenase 2; plus strand), TET2-AS1 (TET2 antisense RNA 1; minus strand). Cytogenetic location: 4q24.
Variant type: single nucleotide variant.
Coding change: c.4513G>A on transcript NM_001127208.3 (MANE Select); coding-DNA position 4513, G replaced by A.
Protein change: p.Ala1505Thr; replaces alanine 1505 with threonine.
Molecular consequence: missense variant.
Genome position (GRCh38, 1-based): chr4:105,272,894, G>A. VCF-style: chr4-105272894-G-A. GRCh37 (hg19) VCF-style: chr4-106194051-G-A.
Other names: short protein forms A1505T.
Identifiers: ClinVar variation 2048550 (VCV002048550.3), dbSNP rs765803723, ClinGen allele CA3032202.

ClinVar aggregate classification (germline): Uncertain significance (1 of 4 stars; one submission).
ClinVar aggregate classification (oncogenicity): Likely oncogenic (1 of 4 stars; one submission).

Conditions:
Neoplasm. Also called: tumor; Neoplasms; Neoplasm (disease). Identifiers: MedGen C0027651, MeSH D009369, MONDO:0005070, HP:0002664.

Allele frequency attached by ClinVar (database versions not stated): TOPMed 0.00021; gnomAD 0.00023.
gnomAD v4.1: 243 of 1,542,290 alleles (0.016%); highest among the groups gnomAD compares: Non-Finnish European, 0.019%; no homozygotes.

Submissions (2):

Center for Genomic Medicine, Rigshospitalet, Copenhagen University Hospital
Classification: Likely oncogenic for Neoplasm. Last evaluated: 2025-03-04. Review status: criteria provided, single submitter. Criteria: ClinGen/CGC/VICC Guidelines for Oncogenicity, 2022. Collection method: clinical testing. Allele origin: somatic. Affected: yes.

Labcorp Genetics (formerly Invitae), Labcorp
Classification: Uncertain significance. Last evaluated: 2024-09-04. Review status: criteria provided, single submitter. Criteria: Invitae Variant Classification Sherloc (09022015). Collection method: clinical testing. Allele origin: germline.
Comment: This sequence change replaces alanine, which is neutral and non-polar, with threonine, which is neutral and polar, at codon 1505 of the TET2 protein (p.Ala1505Thr). This variant is present in population databases (rs765803723, gnomAD 0.03%). This missense change has been observed in individual(s) with acute myeloid leukemia (PMID: 22116554). ClinVar contains an entry for this variant (Variation ID: 2048550). An algorithm developed to predict the effect of missense changes on protein structure and function outputs the following: PolyPhen-2: "Benign". The threonine amino acid residue is found in multiple mammalian species, which suggests that this missense change does not adversely affect protein function. In summary, the available evidence is currently insufficient to determine the role of this variant in disease. Therefore, it has been classified as a Variant of Uncertain Significance.

Literature cited by the submitters: PubMed 25601757 (cited by Center for Genomic Medicine, Rigshospitalet, Copenhagen University Hospital); PubMed 22116554 (cited by Labcorp Genetics (formerly Invitae), Labcorp).